The following is an entry in ClinVar:

NM_032447.5(FBN3):c.6379A>T (p.Thr2127Ser)

Gene: FBN3 (fibrillin 3; minus strand). Cytogenetic location: 19p13.2.
Variant type: single nucleotide variant.
Coding change: c.6379A>T on transcript NM_032447.5 (MANE Select); coding-DNA position 6379, A replaced by T.
Protein change: p.Thr2127Ser; replaces threonine 2127 with serine.
Molecular consequence: missense variant.
Genome position (GRCh38, 1-based): chr19:8,088,177, T>A on the plus strand (A>T on the coding strand, the complement: FBN3 is on the minus strand). VCF-style: chr19-8088177-T-A. GRCh37 (hg19) VCF-style: chr19-8153061-T-A.
Other names: c.6379A>T, p.Thr2127Ser (NM_001321431.2); short protein forms T2127S.
Identifiers: ClinVar variation 2091228 (VCV002091228.4), dbSNP rs2082011475, ClinGen allele CA403715999.

ClinVar aggregate classification (germline): Uncertain significance (1 of 4 stars; one submission).

Allele frequency attached by ClinVar (database versions not stated): TOPMed below 0.00001.

Submission:

Labcorp Genetics (formerly Invitae), Labcorp
Classification: Uncertain significance. Last evaluated: 2022-05-04. Review status: criteria provided, single submitter. Criteria: Invitae Variant Classification Sherloc (09022015). Collection method: clinical testing. Allele origin: germline.
Comment: In summary, the available evidence is currently insufficient to determine the role of this variant in disease. Therefore, it has been classified as a Variant of Uncertain Significance. Algorithms developed to predict the effect of missense changes on protein structure and function are either unavailable or do not agree on the potential impact of this missense change (SIFT: "Not Available"; PolyPhen-2: "Possibly Damaging"; Align-GVGD: "Not Available"). This variant has not been reported in the literature in individuals affected with FBN3-related conditions. This variant is not present in population databases (gnomAD no frequency). This sequence change replaces threonine, which is neutral and polar, with serine, which is neutral and polar, at codon 2127 of the FBN3 protein (p.Thr2127Ser).